The following is an entry in ClinVar:

ClinVar aggregate classification (germline): Uncertain significance. Review status: criteria provided, multiple submitters, no conflicts (2 of 4 stars). 4 submissions from 4 submitters: Uncertain significance (4). Last evaluated 2025-08-29.

Conditions:
Inborn genetic diseases. Identifiers: MedGen C0950123, MeSH D030342.

Allele frequency attached by ClinVar (database versions not stated): gnomAD exomes 0.00009 and 0.00003; 1000 Genomes Project 30x 0.00016; gnomAD 0.00037 and 0.00033; ExAC 0.00009; 1000 Genomes Project 0.00020; TOPMed 0.00041; ESP Exome Variant Server 0.00051.
gnomAD v4.1: 91 of 1,584,716 alleles (0.0057%); highest among the groups gnomAD compares: African/African-American, 0.12%; no homozygotes.

Submissions (4):

GeneDx
Classification: Uncertain significance. Last evaluated: 2025-08-29. Review status: criteria provided, single submitter. Criteria: GeneDx Variant Classification Process June 2021. Collection method: clinical testing. Allele origin: germline. Affected: yes.
Comment: In silico analysis supports that this missense variant has a deleterious effect on protein structure/function; In silico analysis is inconclusive as to whether the variant alters gene splicing. In the absence of RNA/functional studies, the actual effect of this sequence change is unknown.; Has not been previously published as pathogenic or benign to our knowledge

Women's Health and Genetics/Laboratory Corporation of America, LabCorp
Classification: Uncertain significance. Last evaluated: 2025-07-09. Review status: criteria provided, single submitter. Criteria: LabCorp Variant Classification Summary - May 2015. Collection method: clinical testing. Allele origin: germline.
Comment: Variant summary: RTTN c.4360G>T (p.Asp1454Tyr) results in a non-conservative amino acid change in the encoded protein sequence. Algorithms developed to predict the effect of missense changes on protein structure and function are either unavailable or do not agree on the potential impact of this missense change. The variant allele was found at a frequency of 9.1e-05 in 240702 control chromosomes. This frequency is not significantly higher than estimated for a pathogenic variant in RTTN causing Microcephalic Primordial Dwarfism Due To RTTN Deficiency, allowing no conclusion about variant significance. To our knowledge, no occurrence of c.4360G>T in individuals affected with Microcephalic Primordial Dwarfism Due To RTTN Deficiency and no experimental evidence demonstrating its impact on protein function have been reported. ClinVar contains an entry for this variant (Variation ID: 1217108). Based on the evidence outlined above, the variant was classified as uncertain significance.

Labcorp Genetics (formerly Invitae), Labcorp
Classification: Uncertain significance. Last evaluated: 2024-04-03. Review status: criteria provided, single submitter. Criteria: Invitae Variant Classification Sherloc (09022015). Collection method: clinical testing. Allele origin: germline.
Comment: This sequence change replaces aspartic acid, which is acidic and polar, with tyrosine, which is neutral and polar, at codon 1454 of the RTTN protein (p.Asp1454Tyr). This variant is present in population databases (rs199965041, gnomAD 0.1%). This variant has not been reported in the literature in individuals affected with RTTN-related conditions. ClinVar contains an entry for this variant (Variation ID: 1217108). Advanced modeling of protein sequence and biophysical properties (such as structural, functional, and spatial information, amino acid conservation, physicochemical variation, residue mobility, and thermodynamic stability) has been performed at Invitae for this missense variant, however the output from this modeling did not meet the statistical confidence thresholds required to predict the impact of this variant on RTTN protein function. In summary, the available evidence is currently insufficient to determine the role of this variant in disease. Therefore, it has been classified as a Variant of Uncertain Significance.

Ambry Genetics
Classification: Uncertain significance for Inborn genetic diseases. Last evaluated: 2021-06-11. Review status: criteria provided, single submitter. Criteria: Ambry Variant Classification Scheme 2023. Collection method: clinical testing. Allele origin: germline.

NM_173630.4(RTTN):c.4360G>T (p.Asp1454Tyr)

Gene: RTTN (rotatin; minus strand). Cytogenetic location: 18q22.2.
Variant type: single nucleotide variant.
Coding change: c.4360G>T on transcript NM_173630.4 (MANE Select); coding-DNA position 4360, G replaced by T.
Protein change: p.Asp1454Tyr; replaces aspartic acid 1454 with tyrosine.
Molecular consequence: missense variant.
Genome position (GRCh38, 1-based): chr18:70,086,627, C>A on the plus strand (G>T on the coding strand, the complement: RTTN is on the minus strand). VCF-style: chr18-70086627-C-A. GRCh37 (hg19) VCF-style: chr18-67753863-C-A.
Other names: c.1624G>T, p.Asp542Tyr (NM_001318520.2); short protein forms D1454Y, D542Y.
Identifiers: ClinVar variation 1217108 (VCV001217108.12), dbSNP rs199965041, ClinGen allele CA8995287.